The following is an entry in ClinVar:

ClinVar aggregate classification (germline): Uncertain significance. Review status: criteria provided, multiple submitters, no conflicts (2 of 4 stars). 2 submissions from 2 submitters: Uncertain significance (2). Last evaluated 2025-11-01.

Conditions:
DICER1-related tumor predisposition. Also called: DICER1 syndrome; DICER1-related pleuropulmonary blastoma cancer predisposition syndrome. Identifiers: Orphanet 284343, MedGen C3839822, MONDO:0100216.
Hereditary cancer-predisposing syndrome. Also called: Neoplastic Syndromes, Hereditary; Tumor predisposition; Hereditary Cancer Syndrome; Hereditary neoplastic syndrome. Identifiers: Orphanet 140162, MedGen C0027672, MeSH D009386, MONDO:0015356.

Submissions (2):

Labcorp Genetics (formerly Invitae), Labcorp
Classification: Uncertain significance for DICER1-related tumor predisposition. Last evaluated: 2025-11-01. Review status: criteria provided, single submitter. Criteria: Invitae Variant Classification Sherloc (09022015). Collection method: clinical testing. Allele origin: germline.
Comment: This sequence change replaces alanine, which is neutral and non-polar, with serine, which is neutral and polar, at codon 1133 of the DICER1 protein (p.Ala1133Ser). This variant is not present in population databases (gnomAD no frequency). This variant has not been reported in the literature in individuals affected with DICER1-related conditions. ClinVar contains an entry for this variant (Variation ID: 1730955). Invitae Evidence Modeling of protein sequence and biophysical properties (such as structural, functional, and spatial information, amino acid conservation, physicochemical variation, residue mobility, and thermodynamic stability) indicates that this missense variant is not expected to disrupt DICER1 protein function with a negative predictive value of 95%. In summary, the available evidence is currently insufficient to determine the role of this variant in disease. Therefore, it has been classified as a Variant of Uncertain Significance.

Ambry Genetics
Classification: Uncertain significance for Hereditary cancer-predisposing syndrome. Last evaluated: 2020-01-10. Review status: criteria provided, single submitter. Criteria: Ambry Variant Classification Scheme 2023. Collection method: clinical testing. Allele origin: germline.
Comment: The p.A1133S variant (also known as c.3397G>T), located in coding exon 20 of the DICER1 gene, results from a G to T substitution at nucleotide position 3397. The alanine at codon 1133 is replaced by serine, an amino acid with similar properties. This amino acid position is well conserved in available vertebrate species. In addition, the in silico prediction for this alteration is inconclusive. Since supporting evidence is limited at this time, the clinical significance of this alteration remains unclear.

NM_177438.3(DICER1):c.3397G>T (p.Ala1133Ser)

Gene: DICER1 (dicer 1, ribonuclease III; minus strand). Cytogenetic location: 14q32.13.
Variant type: single nucleotide variant.
Coding change: c.3397G>T on transcript NM_177438.3 (MANE Select); coding-DNA position 3397, G replaced by T.
Protein change: p.Ala1133Ser; replaces alanine 1133 with serine.
Molecular consequence: missense variant. On other transcripts: non-coding transcript variant (6).
Genome position (GRCh38, 1-based): chr14:95,103,999, C>A on the plus strand (G>T on the coding strand, the complement: DICER1 is on the minus strand). VCF-style: chr14-95103999-C-A. GRCh37 (hg19) VCF-style: chr14-95570336-C-A.
Other names: c.3397G>T, p.Ala1133Ser (NM_001395684.1, NM_001395692.1, NM_001395693.1 and 13 more transcripts); c.3115G>T, p.Ala1039Ser (NM_001395686.1); c.2992G>T, p.Ala998Ser (NM_001395687.1, NM_001395688.1, NM_001395689.1 and 2 more transcripts); c.2830G>T, p.Ala944Ser (NM_001395691.1); c.1714G>T, p.Ala572Ser (NM_001395697.1); short protein forms A1039S, A1133S, A944S, A998S, A572S.
Identifiers: ClinVar variation 1730955 (VCV001730955.4), dbSNP rs1555369675, ClinGen allele CA390875607.